The following is an entry in ClinVar:

ClinVar aggregate classification (germline): Likely benign (0 of 4 stars; one submission).

Conditions:
ATM-related disorder. Also called: ATM-related disorders; ATM-related condition.

Submission:

PreventionGenetics, part of Exact Sciences
Classification: Likely benign for ATM-related condition. Last evaluated: 2022-11-03. Review status: no assertion criteria provided. Collection method: clinical testing. Allele origin: germline.
Comment: This variant is classified as likely benign based on ACMG/AMP sequence variant interpretation guidelines (Richards et al. 2015 PMID: 25741868, with internal and published modifications).

NM_000051.4(ATM):c.9090A>C (p.Gly3030=)

Genes: ATM (ATM serine/threonine kinase; plus strand), C11orf65 (chromosome 11 open reading frame 65; minus strand). Cytogenetic location: 11q22.3.
Variant type: single nucleotide variant.
Coding change: c.9090A>C on transcript NM_000051.4 (MANE Select); coding-DNA position 9090, A replaced by C.
Protein change: p.Gly3030=; no amino-acid change (glycine 3030 retained).
Molecular consequence: synonymous variant. On other transcripts: intron variant (2).
Genome position (GRCh38, 1-based): chr11:108,365,427, A>C. VCF-style: chr11-108365427-A-C. GRCh37 (hg19) VCF-style: chr11-108236154-A-C.
Other names: c.9090A>C, p.Gly3030= (NM_001351834.2); c.640+20493T>G (NM_001330368.2); c.694+20493T>G (NM_001351110.2).
Identifiers: ClinVar variation 3044421 (VCV003044421.2), dbSNP rs2137919698, ClinGen allele CA476745232.